The following is an entry in ClinVar:

NM_000020.3(ACVRL1):c.626-9G>A

Gene: ACVRL1 (activin A receptor like type 1; plus strand). Cytogenetic location: 12q13.13.
Variant type: single nucleotide variant.
Coding change: c.626-9G>A on transcript NM_000020.3 (MANE Select); 9 bases into the intron before coding-DNA position 626, G replaced by A.
Molecular consequence: intron variant.
Genome position (GRCh38, 1-based): chr12:51,914,430, G>A. VCF-style: chr12-51914430-G-A. GRCh37 (hg19) VCF-style: chr12-52308214-G-A.
Other names: c.626-9G>A (NM_001077401.2).
Identifiers: ClinVar variation 857996 (VCV000857996.9), dbSNP rs1940780208, ClinGen allele CA916081667.
Genomic context (GRCh38, chr12:51,914,430, plus strand): 5'-AAGATGGGGGGCTCTTCCAGGGCTCTGTGTGCCCAGTGTGTAACCCTCACCTTCCCCTCT[G>A]GCCATCAGGAAAAGGCCGCTATGGCGAAGTGTGGCGGGGCTTGTGGCACGGTGAGAGTGT-3'

ClinVar aggregate classification (germline): Uncertain significance (1 of 4 stars; one submission).

Conditions:
Telangiectasia, hereditary hemorrhagic, type 2 (HHT2). Also called: ACVRL1-Related Hereditary Hemorrhagic Telangiectasia; Telangiectasia, hereditary hemorrhagic, type II. Identifiers: Orphanet 774, MedGen C1838163, MONDO:0010880, OMIM 600376. Disease mechanism: loss of function.

Submission:

Labcorp Genetics (formerly Invitae), Labcorp
Classification: Uncertain significance for Telangiectasia, hereditary hemorrhagic, type 2. Last evaluated: 2024-10-20. Review status: criteria provided, single submitter. Criteria: Invitae Variant Classification Sherloc (09022015). Collection method: clinical testing. Allele origin: germline.
Comment: This sequence change falls in intron 5 of the ACVRL1 gene. It does not directly change the encoded amino acid sequence of the ACVRL1 protein. This variant is not present in population databases (gnomAD no frequency). This variant has been observed in individual(s) with hereditary hemorrhagic telangiectasia (internal data). ClinVar contains an entry for this variant (Variation ID: 857996). Algorithms developed to predict the effect of sequence changes on RNA splicing suggest that this variant may disrupt the consensus splice site. In summary, the available evidence is currently insufficient to determine the role of this variant in disease. Therefore, it has been classified as a Variant of Uncertain Significance.